The following is an entry in ClinVar:

NM_002080.4(GOT2):c.1126G>A (p.Asp376Asn)

Gene: GOT2 (glutamic-oxaloacetic transaminase 2; minus strand). Cytogenetic location: 16q21.
Variant type: single nucleotide variant.
Coding change: c.1126G>A on transcript NM_002080.4 (MANE Select); coding-DNA position 1126, G replaced by A.
Protein change: p.Asp376Asn; replaces aspartic acid 376 with asparagine.
Molecular consequence: missense variant.
Genome position (GRCh38, 1-based): chr16:58,709,461, C>T on the plus strand (G>A on the coding strand, the complement: GOT2 is on the minus strand). VCF-style: chr16-58709461-C-T. GRCh37 (hg19) VCF-style: chr16-58743365-C-T.
Other names: c.997G>A, p.Asp333Asn (NM_001286220.2); short protein forms D376N, D333N.
Identifiers: ClinVar variation 2189369 (VCV002189369.1), dbSNP rs747082071, ClinGen allele CA8090845.
Genomic context (GRCh38, chr16:58,709,461, plus strand): 5'-AATCAGAATCACTCACCTGTTCAGGCTTTAGCCCTGTGAAACAGAACATGCCAATTTGGT[C>T]GGTGATGTGTTGCCAATTGTGGGTGGAACCCTCCTTCTTGAGGTTGGAGACCAGTTGAGT-3'
Protein context (NP_002071.2, residues 366-386): GSTHNWQHIT[Asp376Asn]QIGMFCFTGL

ClinVar aggregate classification (germline): Uncertain significance (1 of 4 stars; one submission).

Allele frequency attached by ClinVar (database versions not stated): gnomAD 0.00001; ExAC 0.00002.
gnomAD v4.1: 34 of 1,613,740 alleles (0.0021%); highest among the groups gnomAD compares: Middle Eastern, 0.033%; no homozygotes.

Submission:

Labcorp Genetics (formerly Invitae), Labcorp
Classification: Uncertain significance. Last evaluated: 2022-06-18. Review status: criteria provided, single submitter. Criteria: Invitae Variant Classification Sherloc (09022015). Collection method: clinical testing. Allele origin: germline.
Comment: This sequence change replaces aspartic acid, which is acidic and polar, with asparagine, which is neutral and polar, at codon 376 of the GOT2 protein (p.Asp376Asn). This variant is present in population databases (rs747082071, gnomAD 0.003%). This variant has not been reported in the literature in individuals affected with GOT2-related conditions. Algorithms developed to predict the effect of missense changes on protein structure and function (SIFT, PolyPhen-2, Align-GVGD) all suggest that this variant is likely to be tolerated. In summary, the available evidence is currently insufficient to determine the role of this variant in disease. Therefore, it has been classified as a Variant of Uncertain Significance.